The following is an entry in ClinVar:

NM_015662.3(IFT172):c.3056T>C (p.Leu1019Pro)

Gene: IFT172 (intraflagellar transport 172; minus strand). Cytogenetic location: 2p23.3.
Variant type: single nucleotide variant.
Coding change: c.3056T>C on transcript NM_015662.3 (MANE Select); coding-DNA position 3056, T replaced by C.
Protein change: p.Leu1019Pro; replaces leucine 1019 with proline.
Molecular consequence: missense variant.
Genome position (GRCh38, 1-based): chr2:27,457,896, A>G on the plus strand (T>C on the coding strand, the complement: IFT172 is on the minus strand). VCF-style: chr2-27457896-A-G. GRCh37 (hg19) VCF-style: chr2-27680763-A-G.
Other names: c.2990T>C, p.Leu997Pro (NM_001410739.1); short protein forms L1019P, L997P.
Identifiers: ClinVar variation 5040606 (VCV005040606.1).
Genomic context (GRCh38, chr2:27,457,896, plus strand): 5'-CTCACCTTGCCCAGATGTAGGTGTGTATCACTGAGGAGATCTGGATGGTGCTTCCCTACC[A>G]GGCGGATCATGTCATCATACAACTTGTGCTTTTTGTACATGGTGATGGCAAGATCAGGCT-3'
Protein context (NP_056477.1, residues 1009-1029): KHKLYDDMIR[Leu1019Pro]VGKHHPDLLS

ClinVar aggregate classification (germline): Uncertain significance (1 of 4 stars; one submission).

Submission:

CeGaT Center for Human Genetics Tuebingen
Classification: Uncertain significance. Last evaluated: 2026-08-01. Review status: criteria provided, single submitter. Criteria: CeGaT Center For Human Genetics Tuebingen Variant Classification Criteria Version 2. Collection method: clinical testing. Allele origin: germline. Affected: yes. Observed: 1 variant allele.
Comment: IFT172: PM2